The following is an entry in ClinVar:

NM_173630.4(RTTN):c.5335A>C (p.Thr1779Pro)

Genes: RTTN (rotatin; minus strand), LOC126862785 (MED14-independent group 3 enhancer GRCh37_chr18:67714790-67715989; plus strand). Cytogenetic location: 18q22.2.
Variant type: single nucleotide variant.
Coding change: c.5335A>C on transcript NM_173630.4 (MANE Select); coding-DNA position 5335, A replaced by C.
Protein change: p.Thr1779Pro; replaces threonine 1779 with proline.
Molecular consequence: missense variant.
Genome position (GRCh38, 1-based): chr18:70,048,177, T>G on the plus strand (A>C on the coding strand, the complement: RTTN is on the minus strand). VCF-style: chr18-70048177-T-G. GRCh37 (hg19) VCF-style: chr18-67715413-T-G.
Other names: c.2599A>C, p.Thr867Pro (NM_001318520.2); short protein forms T867P, T1779P.
Identifiers: ClinVar variation 3653947 (VCV003653947.2).

ClinVar aggregate classification (germline): Uncertain significance (1 of 4 stars; one submission).

Submission:

Labcorp Genetics (formerly Invitae), Labcorp
Classification: Uncertain significance. Last evaluated: 2024-06-12. Review status: criteria provided, single submitter. Criteria: Invitae Variant Classification Sherloc (09022015). Collection method: clinical testing. Allele origin: germline.
Comment: This sequence change replaces threonine, which is neutral and polar, with proline, which is neutral and non-polar, at codon 1779 of the RTTN protein (p.Thr1779Pro). This variant is not present in population databases (gnomAD no frequency). This variant has not been reported in the literature in individuals affected with RTTN-related conditions. Advanced modeling of protein sequence and biophysical properties (such as structural, functional, and spatial information, amino acid conservation, physicochemical variation, residue mobility, and thermodynamic stability) performed at Invitae indicates that this missense variant is not expected to disrupt RTTN protein function with a negative predictive value of 80%. Algorithms developed to predict the effect of sequence changes on RNA splicing suggest that this variant may create or strengthen a splice site. In summary, the available evidence is currently insufficient to determine the role of this variant in disease. Therefore, it has been classified as a Variant of Uncertain Significance.